The following is an entry in ClinVar:

NM_001174147.2(LMX1B):c.*280G>A

Gene: LMX1B (LIM homeobox transcription factor 1 beta; plus strand). Cytogenetic location: 9q33.3.
Variant type: single nucleotide variant.
Coding change: c.*280G>A on transcript NM_001174147.2 (MANE Select); 280 bases downstream of the stop codon, G replaced by A.
Molecular consequence: 3 prime UTR variant.
Genome position (GRCh38, 1-based): chr9:126,696,731, G>A. VCF-style: chr9-126696731-G-A. GRCh37 (hg19) VCF-style: chr9-129459010-G-A.
Other names: c.*280G>A (NM_001174146.2, NM_002316.4).
Identifiers: ClinVar variation 364901 (VCV000364901.7), dbSNP rs111648919, ClinGen allele CA10632428.

ClinVar aggregate classification (germline): Benign/Likely benign. Review status: criteria provided, multiple submitters, no conflicts (2 of 4 stars). 2 submissions from 2 submitters: Benign (1); Likely benign (1). Last evaluated 2018-06-26.

Conditions:
Nail-patella syndrome (NPS). Also called: FONG DISEASE; ONYCHOOSTEODYSPLASIA; TURNER-KIESER SYNDROME. Identifiers: Orphanet 2614, MedGen C0027341, MONDO:0008061, OMIM 161200.

Allele frequency attached by ClinVar (database versions not stated): gnomAD exomes 0.00378; 1000 Genomes Project 30x 0.00937; 1000 Genomes Project 0.00938; gnomAD 0.00991 and 0.01052; TOPMed 0.01093.
gnomAD v4.1: 3,039 of 538,442 alleles (0.56%); highest among the groups gnomAD compares: African/African-American, 2.7%; 29 homozygotes.

Submissions (2):

GeneDx
Classification: Likely benign. Last evaluated: 2018-06-26. Review status: criteria provided, single submitter. Criteria: GeneDx Variant Classification Process June 2021. Collection method: clinical testing. Allele origin: germline. Affected: yes.

Illumina Laboratory Services, Illumina
Classification: Benign for Nail-patella syndrome. Last evaluated: 2018-01-13. Review status: criteria provided, single submitter. Criteria: ICSL Variant Classification Criteria 13 December 2019. Collection method: clinical testing. Allele origin: germline.
Comment: This variant was observed in the ICSL laboratory as part of a predisposition screen in an ostensibly healthy population. It had not been previously curated by ICSL or reported in the Human Gene Mutation Database (HGMD: prior to June 1st, 2018), and was therefore a candidate for classification through an automated scoring system. Utilizing variant allele frequency, disease prevalence and penetrance estimates, and inheritance mode, an automated score was calculated to assess if this variant is too frequent to cause the disease. Based on the score and internal cut-off values, a variant classified as benign is not then subjected to further curation. The score for this variant resulted in a classification of benign for this disease.